The following is an entry in ClinVar:

ClinVar aggregate classification (germline): Benign/Likely benign. Review status: criteria provided, multiple submitters, no conflicts (2 of 4 stars). 3 submissions from 3 submitters: Benign (1); Likely benign (2). Last evaluated 2024-08-01.

Conditions:
Hereditary cancer-predisposing syndrome. Also called: Neoplastic Syndromes, Hereditary; Tumor predisposition; Hereditary Cancer Syndrome; Hereditary neoplastic syndrome. Identifiers: Orphanet 140162, MedGen C0027672, MeSH D009386, MONDO:0015356.
Familial adenomatous polyposis 1 (FAP1). Also called: FAMILIAL ADENOMATOUS POLYPOSIS 1, ATTENUATED; POLYPOSIS, ADENOMATOUS INTESTINAL. Identifiers: MedGen C2713442, MONDO:0021056, OMIM 175100. Disease mechanism: loss of function.

Allele frequency attached by ClinVar (database versions not stated): gnomAD exomes below 0.00001.
gnomAD v4.1: 1 of 1,613,856 alleles (0.000062%); highest among the groups gnomAD compares: Non-Finnish European, 0.000085%; no homozygotes.

Submissions (3):

Labcorp Genetics (formerly Invitae), Labcorp
Classification: Likely benign for Familial adenomatous polyposis 1. Last evaluated: 2024-08-01. Review status: criteria provided, single submitter. Criteria: Invitae Variant Classification Sherloc (09022015). Collection method: clinical testing. Allele origin: germline.

Myriad Genetics, Inc.
Classification: Benign for Familial adenomatous polyposis 1. Last evaluated: 2024-04-05. Review status: criteria provided, single submitter. Criteria: Myriad Autosomal Dominant, Autosomal Recessive and X-Linked Classification Criteria (2023). Collection method: clinical testing. Allele origin: unknown.
Comment: This variant is considered benign. This variant is a silent/synonymous amino acid change and it is not expected to impact splicing.

Ambry Genetics
Classification: Likely benign for Hereditary cancer-predisposing syndrome. Last evaluated: 2020-11-06. Review status: criteria provided, single submitter. Criteria: Ambry Variant Classification Scheme 2023. Collection method: clinical testing. Allele origin: germline.

NM_000038.6(APC):c.6720C>G (p.Ser2240=)

Gene: APC (APC regulator of Wnt signaling pathway; plus strand). Cytogenetic location: 5q22.2.
Variant type: single nucleotide variant.
Coding change: c.6720C>G on transcript NM_000038.6 (MANE Select); coding-DNA position 6720, C replaced by G.
Protein change: p.Ser2240=; no amino-acid change (serine 2240 retained).
Molecular consequence: synonymous variant. On other transcripts: non-coding transcript variant (2).
Genome position (GRCh38, 1-based): chr5:112,842,314, C>G. VCF-style: chr5-112842314-C-G. GRCh37 (hg19) VCF-style: chr5-112178011-C-G.
Other names: c.6471C>G, p.Ser2157= (NM_001407455.1, NM_001407456.1, NM_001407457.1 and 1 more transcripts); c.6417C>G, p.Ser2139= (NM_001407460.1, NM_001407458.1, NM_001407459.1 and 1 more transcripts); c.6333C>G, p.Ser2111= (NM_001407467.1, NM_001407469.1); c.5568C>G, p.Ser1856= (NM_001407471.1, NM_001407472.1); c.5871C>G, p.Ser1957= (NM_001407470.1, NM_001354906.2); c.6720C>G, p.Ser2240= (NM_001127510.3, NM_001354895.2, NM_001407450.1); c.6666C>G, p.Ser2222= (NM_001127511.3); c.6774C>G, p.Ser2258= (NM_001354896.2, NM_001407447.1, NM_001407448.1 and 1 more transcripts); and 11 more.
Identifiers: ClinVar variation 1755093 (VCV001755093.5), dbSNP rs2149971468, ClinGen allele CA446209963.